The following is an entry in ClinVar:

NM_001145809.2(MYH14):c.3105G>A (p.Glu1035=)

Gene: MYH14 (myosin heavy chain 14; plus strand). Cytogenetic location: 19q13.33.
Variant type: single nucleotide variant.
Coding change: c.3105G>A on transcript NM_001145809.2 (MANE Select); coding-DNA position 3105, G replaced by A.
Protein change: p.Glu1035=; no amino-acid change (glutamic acid 1035 retained).
Molecular consequence: synonymous variant.
Genome position (GRCh38, 1-based): chr19:50,271,480, G>A. VCF-style: chr19-50271480-G-A. GRCh37 (hg19) VCF-style: chr19-50774737-G-A.
Other names: c.3006G>A, p.Glu1002= (NM_001077186.2); c.2982G>A, p.Glu994= (NM_024729.4).
Identifiers: ClinVar variation 2650310 (VCV002650310.24), dbSNP rs892015022, ClinGen allele CA309564477.

ClinVar aggregate classification (germline): Likely benign (1 of 4 stars; one submission).

Allele frequency attached by ClinVar (database versions not stated): gnomAD 0.00001; gnomAD exomes 0.00001; TOPMed 0.00001.
gnomAD v4.1: 10 of 1,608,292 alleles (0.00062%); highest among the groups gnomAD compares: Non-Finnish European, 0.00076%; no homozygotes.

Submission:

CeGaT Center for Human Genetics Tuebingen
Classification: Likely benign. Last evaluated: 2022-08-01. Review status: criteria provided, single submitter. Criteria: CeGaT Center For Human Genetics Tuebingen Variant Classification Criteria Version 2. Collection method: clinical testing. Allele origin: germline. Affected: yes. Observed: 1 variant allele.
Comment: MYH14: BP4, BP7